The following is an entry in ClinVar:

NM_000051.4(ATM):c.6785C>G (p.Ala2262Gly)

Genes: ATM (ATM serine/threonine kinase; plus strand), C11orf65 (chromosome 11 open reading frame 65; minus strand). Cytogenetic location: 11q22.3.
Variant type: single nucleotide variant.
Coding change: c.6785C>G on transcript NM_000051.4 (MANE Select); coding-DNA position 6785, C replaced by G.
Protein change: p.Ala2262Gly; replaces alanine 2262 with glycine.
Molecular consequence: missense variant. On other transcripts: intron variant (2).
Genome position (GRCh38, 1-based): chr11:108,325,522, C>G. VCF-style: chr11-108325522-C-G. GRCh37 (hg19) VCF-style: chr11-108196249-C-G.
Other names: c.6785C>G, p.Ala2262Gly (NM_001351834.2); c.641-16451G>C (NM_001330368.2); c.*38+9698G>C (NM_001351110.2); short protein forms A2262G.
Identifiers: ClinVar variation 489579 (VCV000489579.7), dbSNP rs876660017, ClinGen allele CA382555489.

ClinVar aggregate classification (germline): Uncertain significance (1 of 4 stars; one submission).

Conditions:
Hereditary cancer-predisposing syndrome. Also called: Neoplastic Syndromes, Hereditary; Hereditary Cancer Syndrome; Tumor predisposition; Hereditary neoplastic syndrome. Identifiers: Orphanet 140162, MedGen C0027672, MeSH D009386, MONDO:0015356.

Submission:

Color Diagnostics, LLC DBA Color Health
Classification: Uncertain significance for Hereditary cancer-predisposing syndrome. Last evaluated: 2023-12-05. Review status: criteria provided, single submitter. Criteria: ACMG Guidelines, 2015. Collection method: clinical testing. Allele origin: germline.
Comment: This missense variant replaces alanine with glycine at codon 2262 of the ATM protein. Computational prediction is inconclusive regarding the impact of this variant on protein structure and function (internally defined REVEL score threshold 0.5 < inconclusive < 0.7, PMID: 27666373). To our knowledge, functional studies have not been reported for this variant. This variant has not been reported in individuals affected with ATM-related disorders in the literature. This variant has not been identified in the general population by the Genome Aggregation Database (gnomAD). The available evidence is insufficient to determine the role of this variant in disease conclusively. Therefore, this variant is classified as a Variant of Uncertain Significance.